The following is an entry in ClinVar:

NM_000235.4(LIPA):c.4A>G (p.Lys2Glu)

Gene: LIPA (lipase A, lysosomal acid type; minus strand). Cytogenetic location: 10q23.31.
Variant type: single nucleotide variant.
Coding change: c.4A>G on transcript NM_000235.4 (MANE Select); coding-DNA position 4, A replaced by G.
Protein change: p.Lys2Glu; replaces lysine 2 with glutamic acid.
Molecular consequence: missense variant. On other transcripts: intron variant (1).
Genome position (GRCh38, 1-based): chr10:89,247,645, T>C on the plus strand (A>G on the coding strand, the complement: LIPA is on the minus strand). VCF-style: chr10-89247645-T-C. GRCh37 (hg19) VCF-style: chr10-91007402-T-C.
Other names: c.4A>G, p.Lys2Glu (NM_001127605.3); c.-120+4092A>G (NM_001288979.2); short protein forms K2E.
Identifiers: ClinVar variation 3538442 (VCV003538442.1).

ClinVar aggregate classification (germline): Uncertain significance (1 of 4 stars; one submission).

Conditions:
Cardiovascular phenotype. Identifiers: MedGen CN230736.

Submission:

Ambry Genetics
Classification: Uncertain significance for Cardiovascular phenotype. Last evaluated: 2024-12-08. Review status: criteria provided, single submitter. Criteria: Ambry Variant Classification Scheme 2023. Collection method: clinical testing. Allele origin: germline.
Comment: The p.K2E variant (also known as c.4A>G), located in coding exon 1 of the LIPA gene, results from an A to G substitution at nucleotide position 4. The lysine at codon 2 is replaced by glutamic acid, an amino acid with similar properties. This amino acid position is well conserved in available vertebrate species. In addition, this alteration is predicted to be tolerated by in silico analysis. Based on the available evidence, the clinical significance of this variant remains unclear.